The following is an entry in ClinVar:

NM_032119.4(ADGRV1):c.11692A>G (p.Ile3898Val)

Gene: ADGRV1 (adhesion G protein-coupled receptor V1; plus strand). Cytogenetic location: 5q14.3.
Variant type: single nucleotide variant.
Coding change: c.11692A>G on transcript NM_032119.4 (MANE Select); coding-DNA position 11692, A replaced by G.
Protein change: p.Ile3898Val; replaces isoleucine 3898 with valine.
Molecular consequence: missense variant. On other transcripts: non-coding transcript variant (1).
Genome position (GRCh38, 1-based): chr5:90,756,565, A>G. VCF-style: chr5-90756565-A-G. GRCh37 (hg19) VCF-style: chr5-90052382-A-G.
Other names: short protein forms I3898V.
Identifiers: ClinVar variation 2655588 (VCV002655588.24), dbSNP rs2531646452, ClinGen allele CA360369597.

ClinVar aggregate classification (germline): Uncertain significance (1 of 4 stars; one submission).

Allele frequency attached by ClinVar (database versions not stated): gnomAD exomes below 0.00001.
gnomAD v4.1: 1 of 1,613,790 alleles (0.000062%); highest among the groups gnomAD compares: East Asian, 0.0022%; no homozygotes.

Submission:

CeGaT Center for Human Genetics Tuebingen
Classification: Uncertain significance. Last evaluated: 2023-02-01. Review status: criteria provided, single submitter. Criteria: CeGaT Center For Human Genetics Tuebingen Variant Classification Criteria Version 2. Collection method: clinical testing. Allele origin: germline. Affected: yes. Observed: 1 variant allele.
Comment: ADGRV1: PM2, BP4